The following is an entry in ClinVar:

NM_016592.5(GNAS):c.542G>A (p.Ser181Asn)

Genes: GNAS (GNAS complex locus; plus strand), GNAS-AS1 (GNAS antisense RNA 1; minus strand). Cytogenetic location: 20q13.32.
Variant type: single nucleotide variant.
Coding change: c.542G>A on transcript NM_016592.5 (MANE Plus Clinical); coding-DNA position 542, G replaced by A.
Protein change: p.Ser181Asn; replaces serine 181 with asparagine.
Molecular consequence: missense variant. On other transcripts: 5 prime UTR variant (1).
Genome position (GRCh38, 1-based): chr20:58,840,648, G>A. VCF-style: chr20-58840648-G-A. GRCh37 (hg19) VCF-style: chr20-57415703-G-A.
Other names: c.-196G>A (NM_001410912.1); short protein forms S181N.
Identifiers: ClinVar variation 5001065 (VCV005001065.1).
Genomic context (GRCh38, chr20:58,840,648, plus strand): 5'-AGCGTCTGCACGCTCTCAAGTTGCGAAGCCCCGACGCCTCCCCAAGTCGCGCGCCGCCCA[G>A]CACTCAGGAGCCCCAGAGCCCCAGGGAAGGGGAGGAGCTCAAGCCCGAGGACAAAGATCC-3'
Protein context (NP_057676.1, residues 171-191): PDASPSRAPP[Ser181Asn]TQEPQSPREG

ClinVar aggregate classification (germline): Uncertain significance (1 of 4 stars; one submission).

Conditions:
GNAS-related disorder. Identifiers: MedGen CN380105.

Submission:

PreventionGenetics, part of Exact Sciences
Classification: Uncertain significance for GNAS-related condition. Last evaluated: 2025-06-25. Review status: criteria provided, single submitter. Criteria: ACMG Guidelines, 2015. Collection method: clinical testing. Allele origin: germline.
Comment: The GNAS c.542G>A variant is predicted to result in the amino acid substitution p.Ser181Asn. To our knowledge, this variant has not been reported in the literature or in a large population database (gnomAD), indicating this variant is rare. At this time, the clinical significance of this variant is uncertain due to the absence of conclusive functional and genetic evidence.